The following is an entry in ClinVar:

ClinVar aggregate classification (germline): Uncertain significance. Review status: criteria provided, multiple submitters, no conflicts (2 of 4 stars). 4 submissions from 4 submitters: Uncertain significance (4). Last evaluated 2022-07-25.

Conditions:
Inborn genetic diseases. Identifiers: MedGen C0950123, MeSH D030342.

Allele frequency attached by ClinVar (database versions not stated): gnomAD 0.00001; ExAC 0.00003; gnomAD exomes 0.00003 and 0.00004; TOPMed 0.00003.
gnomAD v4.1: 58 of 1,613,648 alleles (0.0036%); highest among the groups gnomAD compares: Middle Eastern, 0.12%; no homozygotes.

Submissions (4):

Ambry Genetics
Classification: Uncertain significance for Inborn genetic diseases. Last evaluated: 2022-07-25. Review status: criteria provided, single submitter. Criteria: Ambry Variant Classification Scheme 2023. Collection method: clinical testing. Allele origin: germline.

Labcorp Genetics (formerly Invitae), Labcorp
Classification: Uncertain significance. Last evaluated: 2022-04-22. Review status: criteria provided, single submitter. Criteria: Invitae Variant Classification Sherloc (09022015). Collection method: clinical testing. Allele origin: germline.
Comment: This sequence change replaces arginine, which is basic and polar, with histidine, which is basic and polar, at codon 3232 of the HSPG2 protein (p.Arg3232His). This variant is present in population databases (rs758945882, gnomAD 0.01%). This variant has not been reported in the literature in individuals affected with HSPG2-related conditions. ClinVar contains an entry for this variant (Variation ID: 288050). Algorithms developed to predict the effect of missense changes on protein structure and function output the following: SIFT: "Tolerated"; PolyPhen-2: "Benign"; Align-GVGD: "Class C0". The histidine amino acid residue is found in multiple mammalian species, which suggests that this missense change does not adversely affect protein function. In summary, the available evidence is currently insufficient to determine the role of this variant in disease. Therefore, it has been classified as a Variant of Uncertain Significance.

Revvity Omics, Revvity
Classification: Uncertain significance. Last evaluated: 2019-03-13. Review status: criteria provided, single submitter. Criteria: ACMG Guidelines, 2015. Collection method: clinical testing. Allele origin: germline.

Eurofins Ntd Llc (ga)
Classification: Uncertain significance. Last evaluated: 2018-05-21. Review status: criteria provided, single submitter. Criteria: EGL ClinVar v180209 classification definitions. Collection method: clinical testing. Allele origin: germline. Observed: 3 variant alleles, 3 heterozygotes.

NM_005529.7(HSPG2):c.9695G>A (p.Arg3232His)

Gene: HSPG2 (heparan sulfate proteoglycan 2; minus strand). Cytogenetic location: 1p36.12.
Variant type: single nucleotide variant.
Coding change: c.9695G>A on transcript NM_005529.7 (MANE Select); coding-DNA position 9695, G replaced by A.
Protein change: p.Arg3232His; replaces arginine 3232 with histidine.
Molecular consequence: missense variant.
Genome position (GRCh38, 1-based): chr1:21,839,836, C>T on the plus strand (G>A on the coding strand, the complement: HSPG2 is on the minus strand). VCF-style: chr1-21839836-C-T. GRCh37 (hg19) VCF-style: chr1-22166329-C-T.
Other names: c.9695G>A (NM_005529.5); c.9698G>A, p.Arg3233His (NM_001291860.2); short protein forms R3232H, R3233H.
Identifiers: ClinVar variation 288050 (VCV000288050.10), dbSNP rs758945882, ClinGen allele CA670374.